The following is an entry in ClinVar:

NC_000022.10:g.(?_19864628)_(19883124_?)del

Gene: TXNRD2 (thioredoxin reductase 2; minus strand). Cytogenetic location: 22q11.21.
Variant type: Deletion.
Identifiers: ClinVar variation 2425594 (VCV002425594.6).

ClinVar aggregate classification (germline): Uncertain significance (1 of 4 stars; one submission).

Conditions:
Primary dilated cardiomyopathy (DCM). Also called: Dilated Cardiomyopathy. Identifiers: Orphanet 217604, MedGen C0007193, MeSH D002311, MONDO:0005021, HP:0001644. Inheritance: Various modes of inheritance.

Submission:

Labcorp Genetics (formerly Invitae), Labcorp
Classification: Uncertain significance for Primary dilated cardiomyopathy. Last evaluated: 2021-12-30. Review status: criteria provided, single submitter. Criteria: Invitae Variant Classification Sherloc (09022015). Collection method: clinical testing. Allele origin: germline.
Comment: In summary, the available evidence is currently insufficient to determine the role of this variant in disease. Therefore, it has been classified as a Variant of Uncertain Significance. This variant has not been reported in the literature in individuals affected with TXNRD2-related conditions. This variant is a gross deletion of the genomic region encompassing exon(s) 11-17 of the TXNRD2 gene, which includes the termination codon. This deletion extends beyond the assayed region for this gene and therefore may encompass additional genes. While this deletion is not anticipated to lead to nonsense mediated decay, it is expected to alter mRNA translation or result in a truncated protein product.